The following is an entry in ClinVar:

ClinVar aggregate classification (germline): Pathogenic. Review status: criteria provided, multiple submitters, no conflicts (2 of 4 stars). 2 submissions from 2 submitters: Pathogenic (2). Last evaluated 2025-08-02.

Conditions:
Marfan Syndrome/Loeys-Dietz Syndrome/Familial Thoracic Aortic Aneurysms and Dissections. Identifiers: MedGen CN229799.

Submissions (2):

GeneDx
Classification: Pathogenic. Last evaluated: 2025-08-02. Review status: criteria provided, single submitter. Criteria: GeneDx Variant Classification Process June 2021. Collection method: clinical testing. Allele origin: germline. Affected: yes.
Comment: Nonsense variant predicted to result in protein truncation or nonsense mediated decay in a gene for which loss of function is a known mechanism of disease; Not observed at significant frequency in large population cohorts (gnomAD); This variant is associated with the following publications: (PMID: 29357934, 36517271)

Women's Health and Genetics/Laboratory Corporation of America, LabCorp
Classification: Pathogenic for Marfan Syndrome/Loeys-Dietz Syndrome/Familial Thoracic Aortic Aneurysms and Dissections. Last evaluated: 2019-08-19. Review status: criteria provided, single submitter. Criteria: LabCorp Variant Classification Summary - May 2015. Collection method: clinical testing. Allele origin: germline.
Comment: Variant summary: FBN1 c.349C>T (p.Gln117X) results in a premature termination codon, predicted to cause a truncation of the encoded protein or absence of the protein due to nonsense mediated decay, which are commonly known mechanisms for disease. Truncations downstream of this position have been classified as pathogenic by our laboratory. The variant was absent in 250556 control chromosomes. c.349C>T has been reported in the literature in individuals affected with Marfan Syndrome both in the literature (Becerra-Munoz_2018) as well as in patients undergoing evaluation for Familial Aortopathy and Marfan syndrome at our reference laboratory. These data indicate that the variant is likely to be associated with disease. To our knowledge, no experimental evidence demonstrating an impact on protein function has been reported. No clinical diagnostic laboratories have submitted clinical-significance assessments for this variant to ClinVar after 2014. Based on the evidence outlined above, the variant was classified as pathogenic.

Literature cited by the submitters: PubMed 29357934 (cited by Women's Health and Genetics/Laboratory Corporation of America, LabCorp).

NM_000138.5(FBN1):c.349C>T (p.Gln117Ter)

Gene: FBN1 (fibrillin 1; minus strand). Cytogenetic location: 15q21.1.
Variant type: single nucleotide variant.
Coding change: c.349C>T on transcript NM_000138.5 (MANE Select); coding-DNA position 349, C replaced by T.
Protein change: p.Gln117Ter; replaces glutamine 117 with a stop codon.
Molecular consequence: nonsense.
Genome position (GRCh38, 1-based): chr15:48,600,232, G>A on the plus strand (C>T on the coding strand, the complement: FBN1 is on the minus strand). VCF-style: chr15-48600232-G-A. GRCh37 (hg19) VCF-style: chr15-48892429-G-A.
Other names: short protein forms Q117*.
Identifiers: ClinVar variation 928670 (VCV000928670.2), dbSNP rs2044551565, ClinGen allele CA392446637.